The following is an entry in ClinVar:

ClinVar aggregate classification (germline): Likely benign. Review status: criteria provided, multiple submitters, no conflicts (2 of 4 stars). 2 submissions from 2 submitters: Likely benign (2). Last evaluated 2023-10-11.

Conditions:
Congenital myasthenic syndrome 9. Also called: Myasthenic syndrome, congenital, 9, associated with acetylcholine receptor deficiency. Identifiers: Orphanet 590, MedGen C4225368, MONDO:0014587, OMIM 616325.
Fetal akinesia deformation sequence 1 (FADS1). Also called: Pena-Shokeir syndrome type I; Fetal akinesia sequence. Identifiers: Orphanet 994, MedGen C1276035, MONDO:0100101, OMIM 208150, HP:0001989.

Allele frequency attached by ClinVar (database versions not stated): gnomAD exomes below 0.00001.
gnomAD v4.1: 5 of 1,604,780 alleles (0.00031%); highest among the groups gnomAD compares: Non-Finnish European, 0.00043%; no homozygotes.

Submissions (2):

Women's Health and Genetics/Laboratory Corporation of America, LabCorp
Classification: Likely benign. Last evaluated: 2023-10-11. Review status: criteria provided, single submitter. Criteria: LabCorp Variant Classification Summary - May 2015. Collection method: clinical testing. Allele origin: germline.
Comment: Variant summary: MUSK c.207-16T>C alters a non-conserved nucleotide located at a position not widely known to affect splicing. Consensus agreement among computation tools predict no significant impact on normal splicing. However, these predictions have yet to be confirmed by functional studies. The variant was absent in 239174 control chromosomes (gnomAD). The available data on variant occurrences in the general population are insufficient to allow any conclusion about variant significance. To our knowledge, no occurrence of c.207-16T>C in individuals affected with MUSK-Related Disorders and no experimental evidence demonstrating its impact on protein function have been reported. No submitters have cited clinical-significance assessments for this variant to ClinVar after 2014. Based on the evidence outlined above, the variant was classified as likely benign.

Labcorp Genetics (formerly Invitae), Labcorp
Classification: Likely benign for Congenital myasthenic syndrome 9; Fetal akinesia deformation sequence 1. Last evaluated: 2023-06-24. Review status: criteria provided, single submitter. Criteria: Invitae Variant Classification Sherloc (09022015). Collection method: clinical testing. Allele origin: germline.

NM_005592.4(MUSK):c.207-16T>C

Gene: MUSK (muscle associated receptor tyrosine kinase; plus strand). Cytogenetic location: 9q31.3.
Variant type: single nucleotide variant.
Coding change: c.207-16T>C on transcript NM_005592.4 (MANE Select); 16 bases into the intron before coding-DNA position 207, T replaced by C.
Molecular consequence: intron variant.
Genome position (GRCh38, 1-based): chr9:110,687,101, T>C. VCF-style: chr9-110687101-T-C. GRCh37 (hg19) VCF-style: chr9-113449381-T-C.
Other names: c.207-16T>C (NM_001166280.2, NM_001166281.2).
Identifiers: ClinVar variation 2637676 (VCV002637676.4), dbSNP rs1587896951, ClinGen allele CA1872153740.